The following is an entry in ClinVar:

NM_001621.5(AHR):c.1273del (p.Asp425fs)

Gene: AHR (aryl hydrocarbon receptor; plus strand). Cytogenetic location: 7p21.1.
Variant type: Deletion.
Coding change: c.1273del on transcript NM_001621.5 (MANE Select); coding-DNA position 1273, one base deleted (G; older notation c.1273delG).
Protein change: p.Asp425fs; shifts the reading frame from aspartic acid 425.
Molecular consequence: frameshift variant.
Genome position (GRCh38, 1-based): chr7:17,339,098, G deleted; the last of 2 consecutive G bases (chr7:17,339,097-17,339,098); deleting either gives the same sequence. VCF-style (leftmost placement, unchanged base first): chr7-17339096-TG-T. GRCh37 (hg19) VCF-style: chr7-17378720-TG-T.
Other names: short protein forms D425fs.
Identifiers: ClinVar variation 2036021 (VCV002036021.4), dbSNP rs2534449169, ClinGen allele CA2580076904.

ClinVar aggregate classification (germline): Pathogenic (1 of 4 stars; one submission).

Submission:

Labcorp Genetics (formerly Invitae), Labcorp
Classification: Pathogenic. Last evaluated: 2022-10-18. Review status: criteria provided, single submitter. Criteria: Invitae Variant Classification Sherloc (09022015). Collection method: clinical testing. Allele origin: germline.
Comment: This sequence change creates a premature translational stop signal (p.Asp425Ilefs*5) in the AHR gene. It is expected to result in an absent or disrupted protein product. Loss-of-function variants in AHR are known to be pathogenic (PMID: 28851966, 24106308, 29726989, 31009037). This variant is not present in population databases (gnomAD no frequency). This variant has not been reported in the literature in individuals affected with AHR-related conditions. For these reasons, this variant has been classified as Pathogenic.

Literature cited by the submitters: PubMed 28851966; PubMed 24106308; PubMed 29726989; PubMed 31009037.